The following is an entry in ClinVar:

NM_006922.4(SCN3A):c.3839T>C (p.Val1280Ala)

Gene: SCN3A (sodium voltage-gated channel alpha subunit 3; minus strand). Cytogenetic location: 2q24.3.
Variant type: single nucleotide variant.
Coding change: c.3839T>C on transcript NM_006922.4 (MANE Select); coding-DNA position 3839, T replaced by C.
Protein change: p.Val1280Ala; replaces valine 1280 with alanine.
Molecular consequence: missense variant.
Genome position (GRCh38, 1-based): chr2:165,112,889, A>G on the plus strand (T>C on the coding strand, the complement: SCN3A is on the minus strand). VCF-style: chr2-165112889-A-G. GRCh37 (hg19) VCF-style: chr2-165969399-A-G.
Other names: c.3839T>C (NM_006922.3); c.3692T>C, p.Val1231Ala (NM_001081676.2, NM_001081677.2); short protein forms V1231A, V1280A.
Identifiers: ClinVar variation 2008836 (VCV002008836.5), dbSNP rs2468149103, ClinGen allele CA349031965.
Genomic context (GRCh38, chr2:165,112,889, plus strand): 5'-ATGTCAAACTTGCCTCTTTTAAAAACAATTTTATAAAAATCACTTAAAATACTTACATCA[A>G]CGATCAAGAAATCTAGCCAGCACCAGGCATTAGTGAAATATGTTTGAAATCCATAAGCAA-3'
Protein context (NP_008853.3, residues 1270-1290): NAWCWLDFLI[Val1280Ala]DVSLVSLVAN

ClinVar aggregate classification (germline): Uncertain significance. Review status: criteria provided, multiple submitters, no conflicts (2 of 4 stars). 2 submissions from 2 submitters: Uncertain significance (2). Last evaluated 2023-12-02.

Allele frequency attached by ClinVar (database versions not stated): gnomAD exomes below 0.00001.
gnomAD v4.1: 1 of 1,613,052 alleles (0.000062%); highest among the groups gnomAD compares: Non-Finnish European, 0.000085%; no homozygotes.

Submissions (2):

GeneDx
Classification: Uncertain significance. Last evaluated: 2023-12-02. Review status: criteria provided, single submitter. Criteria: GeneDx Variant Classification Process June 2021. Collection method: clinical testing. Allele origin: germline. Affected: yes.
Comment: Not observed at significant frequency in large population cohorts (gnomAD); In silico analysis supports that this missense variant has a deleterious effect on protein structure/function; Has not been previously published as pathogenic or benign to our knowledge

Labcorp Genetics (formerly Invitae), Labcorp
Classification: Uncertain significance. Last evaluated: 2022-06-21. Review status: criteria provided, single submitter. Criteria: Invitae Variant Classification Sherloc (09022015). Collection method: clinical testing. Allele origin: germline.
Comment: In summary, the available evidence is currently insufficient to determine the role of this variant in disease. Therefore, it has been classified as a Variant of Uncertain Significance. Algorithms developed to predict the effect of missense changes on protein structure and function are either unavailable or do not agree on the potential impact of this missense change (SIFT: "Deleterious"; PolyPhen-2: "Probably Damaging"; Align-GVGD: "Class C0"). This variant has not been reported in the literature in individuals affected with SCN3A-related conditions. This variant is not present in population databases (gnomAD no frequency). This sequence change replaces valine, which is neutral and non-polar, with alanine, which is neutral and non-polar, at codon 1280 of the SCN3A protein (p.Val1280Ala).